The following is an entry in ClinVar:

NM_006648.4(WNK2):c.5800G>A (p.Val1934Met)

Gene: WNK2 (WNK lysine deficient protein kinase 2; plus strand). Cytogenetic location: 9q22.31.
Variant type: single nucleotide variant.
Coding change: c.5800G>A on transcript NM_006648.4 (MANE Select); coding-DNA position 5800, G replaced by A.
Protein change: p.Val1934Met; replaces valine 1934 with methionine.
Molecular consequence: missense variant.
Genome position (GRCh38, 1-based): chr9:93,297,944, G>A. VCF-style: chr9-93297944-G-A. GRCh37 (hg19) VCF-style: chr9-96060226-G-A.
Other names: c.5911G>A, p.Val1971Met (NM_001282394.3); short protein forms V1971M, V1934M.
Identifiers: ClinVar variation 3470160 (VCV003470160.1).

ClinVar aggregate classification (germline): Uncertain significance (1 of 4 stars; one submission).

gnomAD v4.1: 50 of 1,586,934 alleles (0.0032%); highest among the groups gnomAD compares: East Asian, 0.021%; no homozygotes.

Submission:

Ambry Genetics
Classification: Uncertain significance. Last evaluated: 2024-11-17. Review status: criteria provided, single submitter. Criteria: Ambry Variant Classification Scheme 2023. Collection method: clinical testing. Allele origin: germline.
Comment: The p.V1934M variant (also known as c.5800G>A), located in coding exon 23 of the WNK2 gene, results from a G to A substitution at nucleotide position 5800. The valine at codon 1934 is replaced by methionine, an amino acid with highly similar properties. This amino acid position is conserved. In addition, this alteration is predicted to be tolerated by in silico analysis. Based on the available evidence, the clinical significance of this variant remains unclear.